The following is an entry in ClinVar:

ClinVar aggregate classification (germline): Uncertain significance. Review status: criteria provided, multiple submitters, no conflicts (2 of 4 stars). 2 submissions from 2 submitters: Uncertain significance (2). Last evaluated 2024-05-02.

Conditions:
Amyotrophic lateral sclerosis type 19. Identifiers: Orphanet 803, MedGen C3715155, MONDO:0014223, OMIM 615515.

gnomAD v4.1: 4 of 1,613,126 alleles (0.00025%); highest among the groups gnomAD compares: East Asian, 0.0089%; no homozygotes.

Submissions (2):

Labcorp Genetics (formerly Invitae), Labcorp
Classification: Uncertain significance. Last evaluated: 2024-05-02. Review status: criteria provided, single submitter. Criteria: Invitae Variant Classification Sherloc (09022015). Collection method: clinical testing. Allele origin: germline.
Comment: This sequence change replaces alanine, which is neutral and non-polar, with proline, which is neutral and non-polar, at codon 672 of the ERBB4 protein (p.Ala672Pro). This variant is present in population databases (no rsID available, gnomAD 0.01%). This variant has not been reported in the literature in individuals affected with ERBB4-related conditions. Advanced modeling of protein sequence and biophysical properties (such as structural, functional, and spatial information, amino acid conservation, physicochemical variation, residue mobility, and thermodynamic stability) performed at Invitae indicates that this missense variant is not expected to disrupt ERBB4 protein function with a negative predictive value of 80%. In summary, the available evidence is currently insufficient to determine the role of this variant in disease. Therefore, it has been classified as a Variant of Uncertain Significance.

Juno Genomics, Hangzhou Juno Genomics, Inc
Classification: Uncertain significance for Amyotrophic lateral sclerosis type 19. Review status: criteria provided, single submitter. Criteria: ACMG Guidelines, 2015. Collection method: clinical testing. Allele origin: germline.
Comment: Absent from controls (or at extremely low frequency if recessive) in Genome Aggregation Database.;Multiple lines of computational evidence support a deleterious effect on the gene or gene product.

NM_005235.3(ERBB4):c.2014G>C (p.Ala672Pro)

Gene: ERBB4 (erb-b2 receptor tyrosine kinase 4; minus strand). Cytogenetic location: 2q34.
Variant type: single nucleotide variant.
Coding change: c.2014G>C on transcript NM_005235.3 (MANE Select); coding-DNA position 2014, G replaced by C.
Protein change: p.Ala672Pro; replaces alanine 672 with proline.
Molecular consequence: missense variant.
Genome position (GRCh38, 1-based): chr2:211,630,527, C>G on the plus strand (G>C on the coding strand, the complement: ERBB4 is on the minus strand). VCF-style: chr2-211630527-C-G. GRCh37 (hg19) VCF-style: chr2-212495252-C-G.
Other names: c.2014G>C, p.Ala672Pro (NM_001042599.2); short protein forms A672P.
Identifiers: ClinVar variation 3620929 (VCV003620929.4).
Genomic context (GRCh38, chr2:211,630,527, plus strand): 5'-TTTCCAAGAATCTTCTCAAGGCTCTTTTCTTTTTGATGCTCTTCCTTCTAACATAAACAG[C>G]AAATGTCAGACCCACAATGACCAGAATGAAGAGCCCACCAATTACTCCAGCTGCAATCAG-3'
Protein context (NP_005226.1, residues 662-682): FILVIVGLTF[Ala672Pro]VYVRRKSIKK